The following is an entry in ClinVar:

ClinVar aggregate classification (germline): Uncertain significance (1 of 4 stars; one submission).

Conditions:
Pulmonary hypertension, primary, 2. Identifiers: Orphanet 422, MedGen C3888002, MONDO:0014134, OMIM 615342.

Allele frequency attached by ClinVar (database versions not stated): gnomAD exomes below 0.00001; ExAC 0.00001.
gnomAD v4.1: 2 of 1,614,224 alleles (0.00012%); highest among the groups gnomAD compares: South Asian, 0.0011%; no homozygotes.

Submission:

Labcorp Genetics (formerly Invitae), Labcorp
Classification: Uncertain significance for Pulmonary hypertension, primary, 2. Last evaluated: 2023-08-24. Review status: criteria provided, single submitter. Criteria: Invitae Variant Classification Sherloc (09022015). Collection method: clinical testing. Allele origin: germline.
Comment: In summary, the available evidence is currently insufficient to determine the role of this variant in disease. Therefore, it has been classified as a Variant of Uncertain Significance. Advanced modeling of protein sequence and biophysical properties (such as structural, functional, and spatial information, amino acid conservation, physicochemical variation, residue mobility, and thermodynamic stability) performed at Invitae indicates that this missense variant is not expected to disrupt SMAD9 protein function. This variant has not been reported in the literature in individuals affected with SMAD9-related conditions. This variant is present in population databases (rs765314701, gnomAD 0.003%). This sequence change replaces methionine, which is neutral and non-polar, with valine, which is neutral and non-polar, at codon 52 of the SMAD9 protein (p.Met52Val).

NM_001127217.3(SMAD9):c.154A>G (p.Met52Val)

Gene: SMAD9 (SMAD family member 9; minus strand). Cytogenetic location: 13q13.3.
Variant type: single nucleotide variant.
Coding change: c.154A>G on transcript NM_001127217.3 (MANE Select); coding-DNA position 154, A replaced by G.
Protein change: p.Met52Val; replaces methionine 52 with valine.
Molecular consequence: missense variant.
Genome position (GRCh38, 1-based): chr13:36,879,536, T>C on the plus strand (A>G on the coding strand, the complement: SMAD9 is on the minus strand). VCF-style: chr13-36879536-T-C. GRCh37 (hg19) VCF-style: chr13-37453673-T-C.
Other names: c.154A>G, p.Met52Val (NM_001378621.1, NM_005905.6); short protein forms M52V.
Identifiers: ClinVar variation 3014594 (VCV003014594.1), dbSNP rs765314701, ClinGen allele CA6950640.